The following is an entry in ClinVar:

NM_000384.3(APOB):c.8702C>G (p.Ser2901Cys)

Gene: APOB (apolipoprotein B; minus strand). Cytogenetic location: 2p24.1.
Variant type: single nucleotide variant.
Coding change: c.8702C>G on transcript NM_000384.3 (MANE Select); coding-DNA position 8702, C replaced by G.
Protein change: p.Ser2901Cys; replaces serine 2901 with cysteine.
Molecular consequence: missense variant.
Genome position (GRCh38, 1-based): chr2:21,008,166, G>C on the plus strand (C>G on the coding strand, the complement: APOB is on the minus strand). VCF-style: chr2-21008166-G-C. GRCh37 (hg19) VCF-style: chr2-21231038-G-C.
Other names: short protein forms S2901C.
Identifiers: ClinVar variation 939639 (VCV000939639.12), dbSNP rs1663202923, ClinGen allele CA345993547.

ClinVar aggregate classification (germline): Uncertain significance. Review status: criteria provided, multiple submitters, no conflicts (2 of 4 stars). 2 submissions from 2 submitters: Uncertain significance (2). Last evaluated 2021-09-07.

Conditions:
Familial hypobetalipoproteinemia 1. Also called: Hypobetalipoproteinemia, normotriglyceridemic; Acanthocytosis with hypobetalipoproteinemia; APOB-Related Familial Hypobetalipoproteinemia. Identifiers: MedGen C4551990, MONDO:0014252, OMIM 615558.
Hypercholesterolemia, autosomal dominant, type B (FHCL2). Also called: Familial Hypercholesterolemia Type B; HYPERCHOLESTEROLEMIA, FAMILIAL, DUE TO LIGAND-DEFECTIVE APOLIPOPROTEIN B; Familial hypercholesterolemia 2; APOB-Related Familial Hypercholesterolemia, Autosomal Dominant; APOLIPOPROTEIN B-100, FAMILIAL DEFECTIVE; APOLIPOPROTEIN B-100, FAMILIAL LIGAND-DEFECTIVE. Identifiers: MedGen C1704417, MONDO:0007751, OMIM 144010.

gnomAD v4.1: 6 of 1,614,070 alleles (0.00037%); highest among the groups gnomAD compares: Non-Finnish European, 0.00051%; no homozygotes.

Submissions (2):

Fulgent Genetics
Classification: Uncertain significance for Hypercholesterolemia, autosomal dominant, type B; Familial hypobetalipoproteinemia 1. Last evaluated: 2021-09-07. Review status: criteria provided, single submitter. Criteria: ACMG Guidelines, 2015. Collection method: clinical testing. Allele origin: unknown.

Labcorp Genetics (formerly Invitae), Labcorp
Classification: Uncertain significance for Familial hypobetalipoproteinemia 1; Hypercholesterolemia, autosomal dominant, type B. Last evaluated: 2019-10-06. Review status: criteria provided, single submitter. Criteria: Invitae Variant Classification Sherloc (09022015). Collection method: clinical testing. Allele origin: germline.
Comment: This sequence change replaces serine with cysteine at codon 2901 of the APOB protein (p.Ser2901Cys). The serine residue is moderately conserved and there is a moderate physicochemical difference between serine and cysteine. This variant is not present in population databases (ExAC no frequency). In summary, the available evidence is currently insufficient to determine the role of this variant in disease. Therefore, it has been classified as a Variant of Uncertain Significance. Algorithms developed to predict the effect of missense changes on protein structure and function are either unavailable or do not agree on the potential impact of this missense change (SIFT: "Deleterious"; PolyPhen-2: "Probably Damaging"; Align-GVGD: "Class C0"). This variant has not been reported in the literature in individuals with APOB-related conditions.